The following is an entry in ClinVar:

NM_006940.6(SOX5):c.1136del (p.Ser379fs)

Gene: SOX5 (SRY-box transcription factor 5; minus strand). Cytogenetic location: 12p12.1.
Variant type: Deletion.
Coding change: c.1136del on transcript NM_006940.6 (MANE Select); coding-DNA position 1136, one base deleted (G; older notation c.1136delG).
Protein change: p.Ser379fs; shifts the reading frame from serine 379.
Molecular consequence: frameshift variant.
Genome position (GRCh38, 1-based): chr12:23,604,415, C deleted on the plus strand (G on the coding strand, the reverse complement: SOX5 is on the minus strand). VCF-style (leftmost placement, unchanged base first): chr12-23604414-GC-G. GRCh37 (hg19) VCF-style: chr12-23757348-GC-G.
Other names: c.1097del, p.Ser366fs (NM_001261414.3, NM_152989.5); c.1106del, p.Ser369fs (NM_001261415.3); c.1031del, p.Ser344fs (NM_001330785.2); short protein forms S344fs, S366fs, S369fs, S379fs.
Identifiers: ClinVar variation 1709432 (VCV001709432.2), dbSNP rs2548455186, ClinGen allele CA2580085381.

ClinVar aggregate classification (germline): Pathogenic (1 of 4 stars; one submission).

Conditions:
Lamb-Shaffer syndrome. Identifiers: Orphanet 313884, Orphanet 313892, Orphanet 530983, MedGen C4225202, MONDO:0014778, OMIM 616803.

Submission:

MGZ Medical Genetics Center
Classification: Pathogenic for Lamb-Shaffer syndrome. Last evaluated: 2021-10-25. Review status: criteria provided, single submitter. Criteria: ACMG Guidelines, 2015. Collection method: clinical testing. Allele origin: germline. Affected: yes. Observed: 1 variant allele.
Comment: ACMG criteria applied: PVS1, PS2_SUP, PM2_SUP